The following is an entry in ClinVar:

NM_003002.4(SDHD):c.386_387delinsC (p.Leu129fs)

Gene: SDHD (succinate dehydrogenase complex subunit D; plus strand). Cytogenetic location: 11q23.1.
Variant type: Indel.
Coding change: c.386_387delinsC on transcript NM_003002.4 (MANE Select); coding-DNA positions 386 to 387, TG replaced by C.
Protein change: p.Leu129fs; shifts the reading frame from leucine 129.
Molecular consequence: frameshift variant. On other transcripts: 3 prime UTR variant (1), non-coding transcript variant (1).
Genome position (GRCh38, 1-based): chr11:112,094,876-112,094,877, TG replaced by C. VCF-style: chr11-112094876-TG-C. GRCh37 (hg19) VCF-style: chr11-111965600-TG-C.
Other names: c.241_242delinsC, p.Trp81fs (NM_001276503.2); c.269_270delinsC, p.Leu90fs (NM_001276504.2); c.*84_*85delinsC (NM_001276506.2); short protein forms L129fs, L90fs, W81fs.
Identifiers: ClinVar variation 4864294 (VCV004864294.1).

ClinVar aggregate classification (germline): Pathogenic (1 of 4 stars; one submission).

Conditions:
Hereditary cancer-predisposing syndrome. Also called: Neoplastic Syndromes, Hereditary; Tumor predisposition; Hereditary Cancer Syndrome; Hereditary neoplastic syndrome. Identifiers: Orphanet 140162, MedGen C0027672, MeSH D009386, MONDO:0015356.

Submission:

Ambry Genetics
Classification: Pathogenic for Hereditary cancer-predisposing syndrome. Last evaluated: 2026-05-04. Review status: criteria provided, single submitter. Criteria: Ambry Variant Classification Scheme 2023. Collection method: clinical testing. Allele origin: germline.
Comment: The c.386_387delTGinsC pathogenic mutation, located in coding exon 4 of the SDHD gene, results from the deletion of two nucleotides and insertion of one nucleotide causing a translational frameshift with a predicted alternate stop codon (p.L129Sfs*6). This variant occurs at the 3' terminus of the gene, is not expected to trigger nonsense-mediated mRNA decay, and impacts the last 19% of the protein. However, premature stop codons are typically deleterious in nature and a significant portion of the protein is affected and the impacted region is critical for protein function (Ambry internal data). This variant was reported in individual(s) with features consistent with SDHD-related hereditary pheochromocytoma-paraganglioma (Ambry internal data). This variant is considered to be rare based on population cohorts in the Genome Aggregation Database (gnomAD). Based on the supporting evidence, this variant is interpreted as a disease-causing mutation.